The following is an entry in ClinVar:

ClinVar aggregate classification (germline): Uncertain significance (1 of 4 stars; one submission).

Submission:

Labcorp Genetics (formerly Invitae), Labcorp
Classification: Uncertain significance. Last evaluated: 2025-04-15. Review status: criteria provided, single submitter. Criteria: Invitae Variant Classification Sherloc (09022015). Collection method: clinical testing. Allele origin: germline.
Comment: This sequence change replaces glutamine, which is neutral and polar, with arginine, which is basic and polar, at codon 372 of the YAP1 protein (p.Gln372Arg). This variant is not present in population databases (gnomAD no frequency). This variant has not been reported in the literature in individuals affected with YAP1-related conditions. Invitae Evidence Modeling of protein sequence and biophysical properties (such as structural, functional, and spatial information, amino acid conservation, physicochemical variation, residue mobility, and thermodynamic stability) indicates that this missense variant is not expected to disrupt YAP1 protein function with a negative predictive value of 80%. In summary, the available evidence is currently insufficient to determine the role of this variant in disease. Therefore, it has been classified as a Variant of Uncertain Significance.

NM_001130145.3(YAP1):c.1115A>G (p.Gln372Arg)

Gene: YAP1 (Yes1 associated transcriptional regulator; plus strand). Cytogenetic location: 11q22.1.
Variant type: single nucleotide variant.
Coding change: c.1115A>G on transcript NM_001130145.3 (MANE Select); coding-DNA position 1115, A replaced by G.
Protein change: p.Gln372Arg; replaces glutamine 372 with arginine.
Molecular consequence: missense variant.
Genome position (GRCh38, 1-based): chr11:102,223,704, A>G. VCF-style: chr11-102223704-A-G. GRCh37 (hg19) VCF-style: chr11-102094435-A-G.
Other names: c.1067A>G, p.Gln356Arg (NM_001195044.2); c.581A>G, p.Gln194Arg (NM_001195045.2); c.1001A>G, p.Gln334Arg (NM_001282097.2); c.965A>G, p.Gln322Arg (NM_001282098.2); c.1013A>G, p.Gln338Arg (NM_001282099.2); c.1079A>G, p.Gln360Arg (NM_001282100.2); c.1127A>G, p.Gln376Arg (NM_001282101.2); c.953A>G, p.Gln318Arg (NM_006106.5); short protein forms Q356R, Q334R, Q338R, Q360R, Q372R, Q318R, Q376R, Q194R.
Identifiers: ClinVar variation 4750845 (VCV004750845.1).